The following is an entry in ClinVar:

NM_001348768.2(HECW2):c.2282G>A (p.Gly761Glu)

Gene: HECW2 (HECT, C2 and WW domain containing E3 ubiquitin protein ligase 2; minus strand). Cytogenetic location: 2q32.3.
Variant type: single nucleotide variant.
Coding change: c.2282G>A on transcript NM_001348768.2 (MANE Select); coding-DNA position 2282, G replaced by A.
Protein change: p.Gly761Glu; replaces glycine 761 with glutamic acid.
Molecular consequence: missense variant.
Genome position (GRCh38, 1-based): chr2:196,318,608, C>T on the plus strand (G>A on the coding strand, the complement: HECW2 is on the minus strand). VCF-style: chr2-196318608-C-T. GRCh37 (hg19) VCF-style: chr2-197183332-C-T.
Other names: c.1214G>A, p.Gly405Glu (NM_001304840.3); c.2282G>A, p.Gly761Glu (NM_020760.4); short protein forms G405E, G761E.
Identifiers: ClinVar variation 730977 (VCV000730977.34), dbSNP rs61752162, ClinGen allele CA2038145.

ClinVar aggregate classification (germline): Benign/Likely benign. Review status: criteria provided, multiple submitters, no conflicts (2 of 4 stars). 4 submissions from 4 submitters: Benign (2); Likely benign (2). Last evaluated 2026-05-01.

Conditions:
Neurodevelopmental disorder with hypotonia, seizures, and absent language (NDHSAL). Identifiers: MedGen C4310643, MONDO:0014995, OMIM 617268.

Allele frequency attached by ClinVar (database versions not stated): 1000 Genomes Project 30x 0.00047; TOPMed 0.00173; ESP Exome Variant Server 0.00185; gnomAD exomes 0.00209; gnomAD 0.00252.
gnomAD v4.1: 3,307 of 1,572,700 alleles (0.21%); highest among the groups gnomAD compares: Non-Finnish European, 0.24%; 13 homozygotes.

Submissions (4):

CeGaT Center for Human Genetics Tuebingen
Classification: Likely benign. Last evaluated: 2026-05-01. Review status: criteria provided, single submitter. Criteria: CeGaT Center For Human Genetics Tuebingen Variant Classification Criteria Version 2. Collection method: clinical testing. Allele origin: germline. Affected: yes. Observed: 31 variant alleles.
Comment: HECW2: BP4, BS2

ARUP Laboratories, Molecular Genetics and Genomics, ARUP Laboratories
Classification: Benign for Neurodevelopmental disorder with hypotonia, seizures, and absent language. Last evaluated: 2025-03-13. Review status: criteria provided, single submitter. Criteria: ARUP Molecular Germline Variant Investigation Process 2024. Collection method: clinical testing. Allele origin: germline.

Blueprint Genetics
Classification: Likely benign. Last evaluated: 2024-11-22. Review status: criteria provided, single submitter. Criteria: ACMG Guidelines, 2015. Collection method: clinical testing. Allele origin: germline.

Labcorp Genetics (formerly Invitae), Labcorp
Classification: Benign. Last evaluated: 2019-01-10. Review status: criteria provided, single submitter. Criteria: Invitae Variant Classification Sherloc (09022015). Collection method: clinical testing. Allele origin: germline.